The following is an entry in ClinVar:

NM_203475.3(PORCN):c.17G>A (p.Arg6His)

Gene: PORCN (porcupine O-acyltransferase; plus strand). Cytogenetic location: Xp11.23.
Variant type: single nucleotide variant.
Coding change: c.17G>A on transcript NM_203475.3 (MANE Select); coding-DNA position 17, G replaced by A.
Protein change: p.Arg6His; replaces arginine 6 with histidine.
Molecular consequence: missense variant. On other transcripts: 5 prime UTR variant (1).
Genome position (GRCh38, 1-based): chrX:48,509,837, G>A. VCF-style: chrX-48509837-G-A. GRCh37 (hg19) VCF-style: chrX-48368225-G-A.
Other names: c.-126G>A (NM_001282167.2); c.17G>A, p.Arg6His (NM_022825.4, NM_203473.3, NM_203474.1); short protein forms R6H.
Identifiers: ClinVar variation 3780992 (VCV003780992.3).

ClinVar aggregate classification (germline): Uncertain significance. Review status: criteria provided, multiple submitters, no conflicts (2 of 4 stars). 3 submissions from 3 submitters: Uncertain significance (3). Last evaluated 2026-06-24.

Conditions:
Focal dermal hypoplasia (FDH). Also called: Goltz syndrome. Identifiers: Orphanet 2092, MedGen C0016395, MONDO:0010592, OMIM 305600.
Inborn genetic diseases. Identifiers: MedGen C0950123, MeSH D030342.

gnomAD v4.1: 2 of 1,209,529 alleles (0.00017%); highest among the groups gnomAD compares: African/African-American, 0.0035%; no homozygotes.

Submissions (3):

Ambry Genetics
Classification: Uncertain significance for Inborn genetic diseases. Last evaluated: 2026-06-24. Review status: criteria provided, single submitter. Criteria: Ambry Variant Classification Scheme 2023. Collection method: clinical testing. Allele origin: germline.

Revvity Omics, Revvity
Classification: Uncertain significance for Focal dermal hypoplasia. Last evaluated: 2025-03-28. Review status: criteria provided, single submitter. Criteria: ACMG Guidelines, 2015. Collection method: clinical testing. Allele origin: germline.

GeneDx
Classification: Uncertain significance. Last evaluated: 2024-10-16. Review status: criteria provided, single submitter. Criteria: GeneDx Variant Classification Process June 2021. Collection method: clinical testing. Allele origin: germline. Affected: yes.
Comment: Not observed at significant frequency in large population cohorts (gnomAD); In silico analysis supports that this missense variant has a deleterious effect on protein structure/function; Has not been previously published as pathogenic or benign to our knowledge